The following is an entry in ClinVar:

NM_001038.6(SCNN1A):c.1931A>G (p.Tyr644Cys)

Gene: SCNN1A (sodium channel epithelial 1 subunit alpha; minus strand). Cytogenetic location: 12p13.31.
Variant type: single nucleotide variant.
Coding change: c.1931A>G on transcript NM_001038.6 (MANE Select); coding-DNA position 1931, A replaced by G.
Protein change: p.Tyr644Cys; replaces tyrosine 644 with cysteine.
Molecular consequence: missense variant.
Genome position (GRCh38, 1-based): chr12:6,347,952, T>C on the plus strand (A>G on the coding strand, the complement: SCNN1A is on the minus strand). VCF-style: chr12-6347952-T-C. GRCh37 (hg19) VCF-style: chr12-6457118-T-C.
Other names: c.2000A>G, p.Tyr667Cys (NM_001159575.2); c.2108A>G, p.Tyr703Cys (NM_001159576.2); short protein forms Y703C, Y644C, Y667C.
Identifiers: ClinVar variation 1927786 (VCV001927786.5), dbSNP rs1310091605, ClinGen allele CA383552658.

ClinVar aggregate classification (germline): Uncertain significance (1 of 4 stars; one submission).

Allele frequency attached by ClinVar (database versions not stated): gnomAD exomes below 0.00001; gnomAD 0.00001; TOPMed 0.00002.
gnomAD v4.1: 5 of 1,572,098 alleles (0.00032%); highest among the groups gnomAD compares: East Asian, 0.0023%; no homozygotes.

Submission:

Labcorp Genetics (formerly Invitae), Labcorp
Classification: Uncertain significance. Last evaluated: 2025-06-12. Review status: criteria provided, single submitter. Criteria: Invitae Variant Classification Sherloc (09022015). Collection method: clinical testing. Allele origin: germline.
Comment: This sequence change replaces tyrosine, which is neutral and polar, with cysteine, which is neutral and slightly polar, at codon 644 of the SCNN1A protein (p.Tyr644Cys). This variant is present in population databases (no rsID available, gnomAD 0.008%). This variant has not been reported in the literature in individuals affected with SCNN1A-related conditions. ClinVar contains an entry for this variant (Variation ID: 1927786). An algorithm developed to predict the effect of missense changes on protein structure and function (PolyPhen-2) suggests that this variant is likely to be disruptive. In summary, the available evidence is currently insufficient to determine the role of this variant in disease. Therefore, it has been classified as a Variant of Uncertain Significance.